The following is an entry in ClinVar:

ClinVar aggregate classification (germline): Pathogenic. Review status: criteria provided, single submitter (1 of 4 stars). 2 submissions from 2 submitters: Pathogenic (1). 1 of the submissions does not count toward it. Last evaluated 2025-11-26.

Conditions:
Microcephaly 5, primary, autosomal recessive (MCPH5). Also called: ASPM Primary Microcephaly. Identifiers: Orphanet 2512, MedGen C1837501, MONDO:0012106, OMIM 608716.
Microcephaly 1, primary, autosomal recessive (MCPH1). Also called: PREMATURE CHROMOSOME CONDENSATION SYNDROME; PCC SYNDROME; PREMATURE CHROMOSOME CONDENSATION WITH MICROCEPHALY AND MENTAL RETARDATION. Identifiers: Orphanet 2512, MedGen C1855081, MONDO:0009617, OMIM 251200.

Submissions (2):

Cologne Center for Genomics, Faculty of Medicine, University of Cologne
Classification: Pathogenic for Microcephaly 1, primary, autosomal recessive. Last evaluated: 2025-11-26. Review status: criteria provided, single submitter. Criteria: ACMG Guidelines, 2015. Collection method: research. Allele origin: germline. Inheritance: Autosomal recessive inheritance. Affected: yes. Observed: 1 homozygote.
Comment: The variant is predicted to be deleterious by in-silico tools such as MutationTaster and LRT, and is classified as pathogenic according to ACMG guidelines (criteria: PVS1, PM2, PP3, PP5).

GeneReviews
No classification provided. Condition: Microcephaly 5, primary, autosomal recessive. Review status: no classification provided. Collection method: literature only. Allele origin: unknown. Not counted in ClinVar's aggregate classification.

Literature cited by the submitters: PubMed 20301772 (cited by GeneReviews); NCBI Bookshelf NBK9587 (cited by GeneReviews).

NM_018136.5(ASPM):c.3188T>G (p.Leu1063Ter)

Gene: ASPM (assembly factor for spindle microtubules; minus strand). Cytogenetic location: 1q31.3.
Variant type: single nucleotide variant.
Coding change: c.3188T>G on transcript NM_018136.5 (MANE Select); coding-DNA position 3188, T replaced by G.
Protein change: p.Leu1063Ter; replaces leucine 1063 with a stop codon.
Molecular consequence: nonsense.
Genome position (GRCh38, 1-based): chr1:197,124,312, A>C on the plus strand (T>G on the coding strand, the complement: ASPM is on the minus strand). VCF-style: chr1-197124312-A-C. GRCh37 (hg19) VCF-style: chr1-197093442-A-C.
Other names: c.3188T>G, p.Leu1063Ter (NM_001206846.2); short protein forms L1063*.
Identifiers: ClinVar variation 21574 (VCV000021574.4), dbSNP rs199422155, ClinGen allele CA342239.
Genomic context (GRCh38, chr1:197,124,312, plus strand): 5'-ATTGTTTTCTTTATACTCTTTGTGTGTTTTAGAAAGGCAATTTCTTCCTTTAATTGATCT[A>C]AGTTAAGGGAAATATCCACCTAAAACAAACACAAAAAAAGATAAATACCTTCATATTTTC-3'